The following is an entry in ClinVar:

ClinVar aggregate classification (germline): Uncertain significance (1 of 4 stars; one submission).

Conditions:
Congenital myasthenic syndrome 2A. Also called: Myasthenic syndrome, congenital, 2a, slow-channel. Identifiers: Orphanet 590, MedGen C4225374, MONDO:0014581, OMIM 616313.

Submission:

Labcorp Genetics (formerly Invitae), Labcorp
Classification: Uncertain significance for Congenital myasthenic syndrome 2A. Last evaluated: 2022-11-01. Review status: criteria provided, single submitter. Criteria: Invitae Variant Classification Sherloc (09022015). Collection method: clinical testing. Allele origin: germline.
Comment: ClinVar contains an entry for this variant (Variation ID: 1371696). Algorithms developed to predict the effect of missense changes on protein structure and function are either unavailable or do not agree on the potential impact of this missense change (SIFT: "Deleterious"; PolyPhen-2: "Not Available"; Align-GVGD: "Class C0"). In summary, the available evidence is currently insufficient to determine the role of this variant in disease. Therefore, it has been classified as a Variant of Uncertain Significance. This variant has not been reported in the literature in individuals affected with CHRNB1-related conditions. This sequence change replaces alanine, which is neutral and non-polar, with glycine, which is neutral and non-polar, at codon 15 of the CHRNB1 protein (p.Ala15Gly). This variant is not present in population databases (gnomAD no frequency).

NM_000747.3(CHRNB1):c.44C>G (p.Ala15Gly)

Genes: CHRNB1 (cholinergic receptor nicotinic beta 1 subunit; plus strand), LOC130060147 (ATAC-STARR-seq lymphoblastoid silent region 8121; plus strand). Cytogenetic location: 17p13.1.
Variant type: single nucleotide variant.
Coding change: c.44C>G on transcript NM_000747.3 (MANE Select); coding-DNA position 44, C replaced by G.
Protein change: p.Ala15Gly; replaces alanine 15 with glycine.
Molecular consequence: missense variant.
Genome position (GRCh38, 1-based): chr17:7,445,171, C>G. VCF-style: chr17-7445171-C-G. GRCh37 (hg19) VCF-style: chr17-7348490-C-G.
Other names: short protein forms A15G.
Identifiers: ClinVar variation 1371696 (VCV001371696.6), dbSNP rs75926342, ClinGen allele CA397786366.